The following is an entry in ClinVar:

ClinVar aggregate classification (germline): Benign (1 of 4 stars; one submission).

Allele frequency attached by ClinVar (database versions not stated): 1000 Genomes Project 0.32450; 1000 Genomes Project 30x 0.32737; TOPMed 0.36987; gnomAD 0.38159 and 0.38328; gnomAD exomes 0.43670.
gnomAD v4.1: 166,557 of 395,565 alleles (42%); highest among the groups gnomAD compares: Middle Eastern, 49%; 25,819 homozygotes.

Submission:

GeneDx
Classification: Benign. Last evaluated: 2018-06-14. Review status: criteria provided, single submitter. Criteria: GeneDx Variant Classification (06012015). Collection method: clinical testing. Allele origin: germline. Affected: yes.
Comment: This variant is considered likely benign or benign based on one or more of the following criteria: it is a conservative change, it occurs at a poorly conserved position in the protein, it is predicted to be benign by multiple in silico algorithms, and/or has population frequency not consistent with disease.

NM_004006.3(DMD):c.6118-150T>C

Gene: DMD (dystrophin; minus strand). Cytogenetic location: Xp21.1.
Variant type: single nucleotide variant.
Coding change: c.6118-150T>C on transcript NM_004006.3 (MANE Select); 150 bases into the intron before coding-DNA position 6118, T replaced by C.
Molecular consequence: intron variant.
Genome position (GRCh38, 1-based): chrX:32,287,851, A>G on the plus strand (T>C on the coding strand, the complement: DMD is on the minus strand). VCF-style: chrX-32287851-A-G. GRCh37 (hg19) VCF-style: chrX-32305968-A-G.
Other names: c.6094-150T>C (NM_000109.4); c.2095-150T>C (NM_004011.4); c.2086-150T>C (NM_004012.4); c.6106-150T>C (NM_004009.3); c.5749-150T>C (NM_004010.3).
Identifiers: ClinVar variation 673008 (VCV000673008.1), dbSNP rs331335, ClinGen allele CA15056575.